The following is an entry in ClinVar:

ClinVar aggregate classification (germline): Uncertain significance. Review status: criteria provided, multiple submitters, no conflicts (2 of 4 stars). 3 submissions from 3 submitters: Uncertain significance (2). 1 of the submissions does not count toward it. Last evaluated 2022-04-07.

Conditions:
Ehlers-Danlos syndrome, dermatosparaxis type. Also called: Ehlers-Danlos syndrome, type VII, autosomal recessive; EDS VIIC; Dermatosparaxis. Identifiers: Orphanet 1901, MedGen C2700425, MONDO:0009161, OMIM 225410.
Inborn genetic diseases. Identifiers: MedGen C0950123, MeSH D030342.

Allele frequency attached by ClinVar (database versions not stated): gnomAD 0.00001; TOPMed 0.00002; ESP Exome Variant Server 0.00008.
gnomAD v4.1: 43 of 1,612,606 alleles (0.0027%); highest among the groups gnomAD compares: Non-Finnish European, 0.0031%; no homozygotes.

Submissions (3):

Ambry Genetics
Classification: Uncertain significance for Inborn genetic diseases. Last evaluated: 2022-04-07. Review status: criteria provided, single submitter. Criteria: Ambry Variant Classification Scheme 2023. Collection method: clinical testing. Allele origin: germline.

Labcorp Genetics (formerly Invitae), Labcorp
Classification: Uncertain significance for Ehlers-Danlos syndrome, dermatosparaxis type. Last evaluated: 2021-08-31. Review status: criteria provided, single submitter. Criteria: Invitae Variant Classification Sherloc (09022015). Collection method: clinical testing. Allele origin: germline.
Comment: This sequence change replaces asparagine with lysine at codon 101 of the ADAMTS2 protein (p.Asn101Lys). The asparagine residue is weakly conserved and there is a moderate physicochemical difference between asparagine and lysine. This variant is present in population databases (rs373406403, ExAC 0.002%). This variant has not been reported in the literature in individuals affected with ADAMTS2-related conditions. Algorithms developed to predict the effect of missense changes on protein structure and function (SIFT, PolyPhen-2, Align-GVGD) all suggest that this variant is likely to be tolerated. In summary, the available evidence is currently insufficient to determine the role of this variant in disease. Therefore, it has been classified as a Variant of Uncertain Significance.

Natera, Inc.
Classification: Uncertain significance for Ehlers-Danlos syndrome type VIIC. Last evaluated: 2020-09-16. Review status: no assertion criteria provided. Collection method: clinical testing. Allele origin: germline. Not counted in ClinVar's aggregate classification.

NM_014244.5(ADAMTS2):c.303C>A (p.Asn101Lys)

Gene: ADAMTS2 (ADAM metallopeptidase with thrombospondin type 1 motif 2; minus strand). Cytogenetic location: 5q35.3.
Variant type: single nucleotide variant.
Coding change: c.303C>A on transcript NM_014244.5 (MANE Select); coding-DNA position 303, C replaced by A.
Protein change: p.Asn101Lys; replaces asparagine 101 with lysine.
Molecular consequence: missense variant.
Genome position (GRCh38, 1-based): chr5:179,343,998, G>T on the plus strand (C>A on the coding strand, the complement: ADAMTS2 is on the minus strand). VCF-style: chr5-179343998-G-T. GRCh37 (hg19) VCF-style: chr5-178770999-G-T.
Other names: c.303C>A, p.Asn101Lys (NM_021599.4); short protein forms N101K.
Identifiers: ClinVar variation 645852 (VCV000645852.6), dbSNP rs373406403, ClinGen allele CA3596348.